The following is an entry in ClinVar:

NM_024642.5(GALNT12):c.166C>G (p.Pro56Ala)

Gene: GALNT12 (polypeptide N-acetylgalactosaminyltransferase 12; plus strand). Cytogenetic location: 9q22.33.
Variant type: single nucleotide variant.
Coding change: c.166C>G on transcript NM_024642.5 (MANE Select); coding-DNA position 166, C replaced by G.
Protein change: p.Pro56Ala; replaces proline 56 with alanine.
Molecular consequence: missense variant.
Genome position (GRCh38, 1-based): chr9:98,807,864, C>G. VCF-style: chr9-98807864-C-G. GRCh37 (hg19) VCF-style: chr9-101570146-C-G.
Other names: short protein forms P56A.
Identifiers: ClinVar variation 1777649 (VCV001777649.2), dbSNP rs1564243769, ClinGen allele CA374222440.

ClinVar aggregate classification (germline): Uncertain significance (1 of 4 stars; one submission).

Submission:

Ambry Genetics
Classification: Uncertain significance. Last evaluated: 2020-06-25. Review status: criteria provided, single submitter. Criteria: Ambry Variant Classification Scheme 2023. Collection method: clinical testing. Allele origin: germline.
Comment: The p.P56A variant (also known as c.166C>G), located in coding exon 1 of the GALNT12 gene, results from a C to G substitution at nucleotide position 166. The proline at codon 56 is replaced by alanine, an amino acid with highly similar properties. This amino acid position is not well conserved in available vertebrate species. In addition, this alteration is predicted to be tolerated by in silico analysis. Since supporting evidence is limited at this time, the clinical significance of this alteration remains unclear.